The following is an entry in ClinVar:

NM_001290043.2(TAP2):c.460G>T (p.Ala154Ser)

Gene: TAP2 (transporter 2, ATP binding cassette subfamily B member; minus strand). Cytogenetic location: 6p21.32.
Variant type: single nucleotide variant.
Coding change: c.460G>T on transcript NM_001290043.2 (MANE Select); coding-DNA position 460, G replaced by T.
Protein change: p.Ala154Ser; replaces alanine 154 with serine.
Molecular consequence: missense variant.
Genome position (GRCh38, 1-based): chr6:32,837,774, C>A on the plus strand (G>T on the coding strand, the complement: TAP2 is on the minus strand). VCF-style: chr6-32837774-C-A. GRCh37 (hg19) VCF-style: chr6-32805551-C-A.
Other names: c.460G>T, p.Ala154Ser (NM_000544.3, NM_018833.3); short protein forms A154S.
Identifiers: ClinVar variation 578313 (VCV000578313.10), dbSNP rs1562339896, ClinGen allele CA363586296.
Genomic context (GRCh38, chr6:32,837,774, plus strand): 5'-AACTCACAACGTCCTCTCCTGACTCACCCAAAACAGCAAGGACAAGGAAGAAGAAGGCGG[C>A]AACGAGGAGAGGCAGGTCCGGCCTGGAGAGCTTCAGCAGCCTCCACATCAAGACTTTGTT-3'
Protein context (NP_001276972.1, residues 144-164): LSRPDLPLLV[Ala154Ser]AFFFLVLAVL

ClinVar aggregate classification (germline): Uncertain significance (1 of 4 stars; one submission).

Conditions:
MHC class I deficiency. Identifiers: Orphanet 34592, MedGen C6024714, MONDO:0011476.

Allele frequency attached by ClinVar (database versions not stated): TOPMed below 0.00001.
gnomAD v4.1: 2 of 1,614,196 alleles (0.00012%); highest among the groups gnomAD compares: African/African-American, 0.0013%; no homozygotes.

Submission:

Labcorp Genetics (formerly Invitae), Labcorp
Classification: Uncertain significance for MHC class I deficiency 1. Last evaluated: 2019-05-09. Review status: criteria provided, single submitter. Criteria: Invitae Variant Classification Sherloc (09022015). Collection method: clinical testing. Allele origin: germline.
Comment: This variant is not present in population databases (ExAC no frequency). This sequence change replaces alanine with serine at codon 154 of the TAP2 protein (p.Ala154Ser). The alanine residue is moderately conserved and there is a moderate physicochemical difference between alanine and serine. This variant has not been reported in the literature in individuals with TAP2-related disease. Algorithms developed to predict the effect of missense changes on protein structure and function (SIFT, Align-GVGD) suggest that this variant is likely to be tolerated, but these predictions have not been confirmed by published functional studies and their clinical significance is uncertain. In summary, the available evidence is currently insufficient to determine the role of this variant in disease. Therefore, it has been classified as a Variant of Uncertain Significance.